The following is an entry in ClinVar:

NM_007118.4(TRIO):c.4214T>C (p.Phe1405Ser)

Gene: TRIO (trio Rho guanine nucleotide exchange factor; plus strand). Cytogenetic location: 5p15.2.
Variant type: single nucleotide variant.
Coding change: c.4214T>C on transcript NM_007118.4 (MANE Select); coding-DNA position 4214, T replaced by C.
Protein change: p.Phe1405Ser; replaces phenylalanine 1405 with serine.
Molecular consequence: missense variant. On other transcripts: non-coding transcript variant (1).
Genome position (GRCh38, 1-based): chr5:14,390,986, T>C. VCF-style: chr5-14390986-T-C. GRCh37 (hg19) VCF-style: chr5-14391095-T-C.
Other names: short protein forms F1405S.
Identifiers: ClinVar variation 1334754 (VCV001334754.4), dbSNP rs2152364335, ClinGen allele CA359231836.

ClinVar aggregate classification (germline): Uncertain significance (1 of 4 stars; one submission).

Submission:

Greenwood Genetic Center Diagnostic Laboratories, Greenwood Genetic Center
Classification: Uncertain significance. Last evaluated: 2021-05-13. Review status: criteria provided, single submitter. Criteria: ACMG Guidelines, 2015. Collection method: clinical testing. Allele origin: germline. Affected: yes.
Comment: PM2